The following is an entry in ClinVar:

NM_001080397.3(SLC45A1):c.1087G>A (p.Glu363Lys)

Gene: SLC45A1 (solute carrier family 45 member 1; plus strand). Cytogenetic location: 1p36.23.
Variant type: single nucleotide variant.
Coding change: c.1087G>A on transcript NM_001080397.3 (MANE Select); coding-DNA position 1087, G replaced by A.
Protein change: p.Glu363Lys; replaces glutamic acid 363 with lysine.
Molecular consequence: missense variant.
Genome position (GRCh38, 1-based): chr1:8,330,580, G>A. VCF-style: chr1-8330580-G-A. GRCh37 (hg19) VCF-style: chr1-8390640-G-A.
Other names: c.1087G>A, p.Glu363Lys (NM_001379614.1); c.994G>A, p.Glu332Lys (NM_001379615.1, NM_001379616.1); c.481G>A, p.Glu161Lys (NM_001379617.1, NM_001379618.1); short protein forms E161K, E332K, E363K.
Identifiers: ClinVar variation 4978418 (VCV004978418.1).
Genomic context (GRCh38, chr1:8,330,580, plus strand): 5'-CCCCTCACGCCCAAGTACGGCAGCTTCATCAGCAGGGACAGCTCCCTGACGGGCATCAGC[G>A]AGTTCGCCTCATCCTTTGGCACGGCCAACATAGACAGCGTCCTCATTGACTGCTTCACGG-3'
Protein context (NP_001073866.3, residues 353-373): SRDSSLTGIS[Glu363Lys]FASSFGTANI

ClinVar aggregate classification (germline): Uncertain significance (1 of 4 stars; one submission).

Conditions:
SLC45A1-related disorder. Also called: SLC45A1-related condition.

gnomAD v4.1: 21 of 1,613,398 alleles (0.0013%); highest among the groups gnomAD compares: Middle Eastern, 0.016%; no homozygotes.

Submission:

PreventionGenetics, part of Exact Sciences
Classification: Uncertain significance for SLC45A1-related condition. Last evaluated: 2025-08-18. Review status: criteria provided, single submitter. Criteria: ACMG Guidelines, 2015. Collection method: clinical testing. Allele origin: germline.
Comment: The SLC45A1 c.1189G>A variant is predicted to result in the amino acid substitution p.Glu397Lys. To our knowledge, this variant has not been reported in the literature. This variant is reported in 0.00088% of alleles in individuals of European (Non-Finnish) descent in gnomAD. At this time, the clinical significance of this variant is uncertain due to the absence of conclusive functional and genetic evidence.